The following is an entry in ClinVar:

NM_001080517.3(SETD5):c.1467AGA[2] (p.Glu492del)

Gene: SETD5 (SET domain containing 5; plus strand). Cytogenetic location: 3p25.3.
Variant type: Microsatellite.
Coding change: c.1467AGA[2] on transcript NM_001080517.3 (MANE Select); two copies in a row of the 3-base unit AGA starting at c.1467; the reference has three copies in a row; one copy, 3 bases deleted.
Protein change: p.Glu492del; deletes glutamic acid 492.
Molecular consequence: inframe deletion.
Genome position (GRCh38, 1-based): chr3:9,445,689-9,445,691, AGA deleted; deleting any 3 consecutive bases within chr3:9,445,683-9,445,691 gives the same sequence; the position shown is the placement nearest the transcript's 3' end. VCF-style (leftmost placement, unchanged base first): chr3-9445682-CAGA-C. GRCh37 (hg19) VCF-style: chr3-9487366-CAGA-C.
Other names: c.1473_1475delAGA (NM_001080517.1); c.1173AGA[2], p.Glu394del (NM_001292043.2, NM_001349451.2); short protein forms E394del, E492del.
Identifiers: ClinVar variation 1981865 (VCV001981865.5), dbSNP rs776240013, ClinGen allele CA2239192.

ClinVar aggregate classification (germline): Conflicting classifications of pathogenicity. Review status: criteria provided, conflicting classifications (1 of 4 stars). 2 submissions from 2 submitters: Uncertain significance (1); Likely benign (1). Last evaluated 2025-09-02.

Conditions:
Inborn genetic diseases. Identifiers: MedGen C0950123, MeSH D030342.

Submissions (2):

Labcorp Genetics (formerly Invitae), Labcorp
Classification: Uncertain significance. Last evaluated: 2025-09-02. Review status: criteria provided, single submitter. Criteria: Invitae Variant Classification Sherloc (09022015). Collection method: clinical testing. Allele origin: germline.
Comment: This variant, c.1473_1475del, results in the deletion of 1 amino acid(s) of the SETD5 protein (p.Glu492del), but otherwise preserves the integrity of the reading frame. This variant is present in population databases (rs776240013, gnomAD 0.009%). This variant has not been reported in the literature in individuals affected with SETD5-related conditions. Experimental studies and prediction algorithms are not available or were not evaluated, and the functional significance of this variant is currently unknown. In summary, the available evidence is currently insufficient to determine the role of this variant in disease. Therefore, it has been classified as a Variant of Uncertain Significance.

Ambry Genetics
Classification: Likely benign for Inborn genetic diseases. Last evaluated: 2025-02-20. Review status: criteria provided, single submitter. Criteria: Ambry Variant Classification Scheme 2023. Collection method: clinical testing. Allele origin: germline.